The following is an entry in ClinVar:

NM_001033855.3(DCLRE1C):c.595_596dup (p.His200fs)

Gene: DCLRE1C (DNA cross-link repair 1C; minus strand). Cytogenetic location: 10p13.
Variant type: Duplication.
Coding change: c.595_596dup on transcript NM_001033855.3 (MANE Select); coding-DNA positions 595 to 596, 2 bases duplicated (TA; older notation c.595_596dupTA).
Protein change: p.His200fs; shifts the reading frame from histidine 200.
Molecular consequence: frameshift variant. On other transcripts: non-coding transcript variant (4).
Genome position (GRCh38, 1-based): chr10:14,934,462-14,934,463, TA duplicated on the plus strand (TA on the coding strand, the reverse complement: DCLRE1C is on the minus strand). VCF-style (leftmost placement, unchanged base first): chr10-14934461-G-GTA. GRCh37 (hg19) VCF-style: chr10-14976460-G-GTA.
Other names: c.235_236dup, p.His80fs (NM_001033857.3, NM_001033858.3, NM_001289077.2 and 2 more transcripts); c.250_251dup, p.His85fs (NM_001289076.2, NM_001289078.2, NM_001350966.2 and 1 more transcripts); c.595_596dup, p.His200fs (NM_001350965.2); c.595_596dup (NM_001033855.2); short protein forms H200fs, H80fs, H85fs.
Identifiers: ClinVar variation 3241282 (VCV003241282.2), dbSNP rs2492024816.
Genomic context (GRCh38, chr10:14,934,461, plus strand): 5'-AAGGTTGGTGAACAGATATTCATAGCCATAAGCCGCTTTGCAGTTCAGCCACACAACATG[G>GTA]TACGGGCTCCGAGTGATCCAGCTTCGGACCAGCTCTAAGACTCCACTTAAACACTCCTCC-3'

ClinVar aggregate classification (germline): Likely pathogenic. Review status: criteria provided, multiple submitters, no conflicts (2 of 4 stars). 2 submissions from 2 submitters: Likely pathogenic (2). Last evaluated 2024-12-03.

Conditions:
Athabaskan severe combined immunodeficiency (SCIDA). Also called: Severe combined immunodeficiency, athabascan-type. Identifiers: MedGen C1865370.
Histiocytic medullary reticulosis. Also called: SEVERE COMBINED IMMUNODEFICIENCY WITH HYPEREOSINOPHILIA; Omenn syndrome. Identifiers: Orphanet 39041, MedGen C2700553, MONDO:0011338, OMIM 603554.

Submissions (2):

Natera, Inc.
Classification: Likely pathogenic for Athabascan severe combined immunodeficiency. Last evaluated: 2024-12-03. Review status: criteria provided, single submitter. Criteria: Natera Variant Classification Schema (03/2026). Collection method: clinical testing. Allele origin: germline.
Comment: The c.595_596dup variant in DCLRE1C is a frameshift variant predicted to shift the reading frame beginning at codon 200 and leads to a stop codon 6 codons downstream. This variant is expected to result in nonsense mediated decay, truncation, or a dysfunctional protein product. This variant is rare in the general population with a frequency below the threshold expected for the associated phenotype(s). Given the available evidence, this variant is classified as Likely Pathogenic.

Baylor Genetics
Classification: Likely pathogenic for Histiocytic medullary reticulosis. Last evaluated: 2024-03-17. Review status: criteria provided, single submitter. Criteria: ACMG Guidelines, 2015. Collection method: clinical testing. Allele origin: unknown.